The following is an entry in ClinVar:

ClinVar aggregate classification (germline): Likely pathogenic. Review status: criteria provided, single submitter (1 of 4 stars). 2 submissions from 2 submitters: Likely pathogenic (1). 1 of the submissions does not count toward it. Last evaluated 2024-03-08.

Conditions:
Marfan syndrome (MFS). Also called: Marfan syndrome type 1; Marfan syndrome, classic; Marfan's syndrome; FBN1-Related Marfan Syndrome; MARFAN SYNDROME, TYPE I. Identifiers: Orphanet 284963, Orphanet 558, MedGen C0024796, MONDO:0007947, OMIM 154700.

Submissions (2):

GeneDx
Classification: Likely pathogenic. Last evaluated: 2024-03-08. Review status: criteria provided, single submitter. Criteria: GeneDx Variant Classification Process June 2021. Collection method: clinical testing. Allele origin: germline. Affected: yes.
Comment: Not observed at significant frequency in large population cohorts (gnomAD); Deletions involving coding exons of this gene are a known mechanism of disease (HGMD); Canonical splice site variant expected to result in aberrant splicing, although in the absence of functional evidence the actual effect of this sequence change is unknown.; This variant is associated with the following publications: (PMID: 25525159, 15241795)

Center for Medical Genetics Ghent, University of Ghent
Classification: Pathogenic for Marfan syndrome. Last evaluated: 2017-11-07. Review status: no assertion criteria provided. Collection method: clinical testing. Allele origin: germline. Affected: yes. Not counted in ClinVar's aggregate classification.

NM_000138.5(FBN1):c.1837+1G>A

Gene: FBN1 (fibrillin 1; minus strand). Cytogenetic location: 15q21.1.
Variant type: single nucleotide variant.
Coding change: c.1837+1G>A on transcript NM_000138.5 (MANE Select); the canonical splice donor site of the intron after coding-DNA position 1837, G replaced by A.
Molecular consequence: splice donor variant.
Genome position (GRCh38, 1-based): chr15:48,508,581, C>T on the plus strand (G>A on the coding strand, the complement: FBN1 is on the minus strand). VCF-style: chr15-48508581-C-T. GRCh37 (hg19) VCF-style: chr15-48800778-C-T.
Other names: c.1837+1G>A (NM_001406716.1).
Identifiers: ClinVar variation 549050 (VCV000549050.2), dbSNP rs397515762, ClinGen allele CA392340137.